The following is an entry in ClinVar:

ClinVar aggregate classification (germline): Uncertain significance (1 of 4 stars; one submission).

Conditions:
Bethlem myopathy 1A. Also called: Bethlem myopathy 1; Bethlem Muscular Dystrophy; MYOPATHY, BENIGN CONGENITAL, WITH CONTRACTURES. Identifiers: Orphanet 610, MedGen CN029274, MONDO:0024530, OMIM 158810.

Submission:

Labcorp Genetics (formerly Invitae), Labcorp
Classification: Uncertain significance for Bethlem myopathy 1A. Last evaluated: 2023-11-25. Review status: criteria provided, single submitter. Criteria: Invitae Variant Classification Sherloc (09022015). Collection method: clinical testing. Allele origin: germline.
Comment: This sequence change replaces glycine, which is neutral and non-polar, with serine, which is neutral and polar, at codon 460 of the COL6A2 protein (p.Gly460Ser). This variant is not present in population databases (gnomAD no frequency). This variant has not been reported in the literature in individuals affected with COL6A2-related conditions. Advanced modeling of protein sequence and biophysical properties (such as structural, functional, and spatial information, amino acid conservation, physicochemical variation, residue mobility, and thermodynamic stability) performed at Invitae indicates that this missense variant is expected to disrupt COL6A2 protein function with a positive predictive value of 80%. Algorithms developed to predict the effect of sequence changes on RNA splicing suggest that this variant may create or strengthen a splice site. In summary, the available evidence is currently insufficient to determine the role of this variant in disease. Therefore, it has been classified as a Variant of Uncertain Significance.

NM_001849.4(COL6A2):c.1378G>A (p.Gly460Ser)

Gene: COL6A2 (collagen type VI alpha 2 chain; plus strand). Cytogenetic location: 21q22.3.
Variant type: single nucleotide variant.
Coding change: c.1378G>A on transcript NM_001849.4 (MANE Select); coding-DNA position 1378, G replaced by A.
Protein change: p.Gly460Ser; replaces glycine 460 with serine.
Molecular consequence: missense variant.
Genome position (GRCh38, 1-based): chr21:46,120,560, G>A. VCF-style: chr21-46120560-G-A. GRCh37 (hg19) VCF-style: chr21-47540474-G-A.
Other names: c.1378G>A, p.Gly460Ser (NM_058174.3, NM_058175.3); short protein forms G460S.
Identifiers: ClinVar variation 2766526 (VCV002766526.3), dbSNP rs2517005043, ClinGen allele CA410530795.